The following is an entry in ClinVar:

ClinVar aggregate classification (germline): Uncertain significance (1 of 4 stars; one submission).

Conditions:
Developmental and epileptic encephalopathy. Identifiers: MedGen C5779964, MONDO:0100620.

Submission:

Labcorp Genetics (formerly Invitae), Labcorp
Classification: Uncertain significance for Early-infantile DEE. Last evaluated: 2022-01-13. Review status: criteria provided, single submitter. Criteria: Invitae Variant Classification Sherloc (09022015). Collection method: clinical testing. Allele origin: germline.
Comment: In summary, the available evidence is currently insufficient to determine the role of this variant in disease. Therefore, it has been classified as a Variant of Uncertain Significance. This variant has not been reported in the literature in individuals affected with SCN1A-related conditions. This variant results in a copy number gain of the genomic region encompassing exon(s) 15-26 of the SCN1A gene. This region includes the termination codon of the gene. This copy number gain extends beyond the assayed region for this gene and therefore may encompass additional genes. As the precise location of this event is unknown, it may be in tandem or it may be located elsewhere in the genome.

NC_000002.11:g.(?_165946660)_(166894662_?)dup

Genes: CSRNP3 (cysteine and serine rich nuclear protein 3; plus strand), GALNT3 (polypeptide N-acetylgalactosaminyltransferase 3; minus strand), SCN1A (sodium voltage-gated channel alpha subunit 1; minus strand), SCN2A (sodium voltage-gated channel alpha subunit 2; plus strand), SCN3A (sodium voltage-gated channel alpha subunit 3; minus strand) and 1 more. Cytogenetic location: 2q24.3.
Variant type: Duplication.
Identifiers: ClinVar variation 2423911 (VCV002423911.4).